The following is an entry in ClinVar:

NM_000416.3(IFNGR1):c.816_817dup (p.Ile273fs)

Gene: IFNGR1 (interferon gamma receptor 1; minus strand). Cytogenetic location: 6q23.3.
Variant type: Duplication.
Coding change: c.816_817dup on transcript NM_000416.3 (MANE Select); coding-DNA positions 816 to 817, 2 bases duplicated (AA; older notation c.816_817dupAA).
Protein change: p.Ile273fs; shifts the reading frame from isoleucine 273.
Molecular consequence: frameshift variant.
Genome position (GRCh38, 1-based): chr6:137,200,925-137,200,926, TT duplicated on the plus strand (AA on the coding strand, the reverse complement: IFNGR1 is on the minus strand); duplicating any 2 consecutive bases within chr6:137,200,925-137,200,928 gives the same sequence; the c. name uses the placement nearest the transcript's 3' end. VCF-style (leftmost placement, unchanged base first): chr6-137200924-A-ATT. GRCh37 (hg19) VCF-style: chr6-137522061-A-ATT.
Other names: c.786_787dup, p.Ile263fs (NM_001363526.1); c.693_694dup, p.Ile232fs (NM_001363527.1); short protein forms I263fs, I232fs, I273fs.
Identifiers: ClinVar variation 944830 (VCV000944830.9), dbSNP rs1779262959, ClinGen allele CA1139659840.

ClinVar aggregate classification (germline): Likely pathogenic (1 of 4 stars; one submission).

Conditions:
Disseminated atypical mycobacterial infection. Identifiers: MedGen C0694566.

Submission:

Labcorp Genetics (formerly Invitae), Labcorp
Classification: Likely pathogenic for Disseminated atypical mycobacterial infection. Last evaluated: 2023-11-20. Review status: criteria provided, single submitter. Criteria: Invitae Variant Classification Sherloc (09022015). Collection method: clinical testing. Allele origin: germline.
Comment: This sequence change creates a premature translational stop signal (p.Ile273Lysfs*5) in the IFNGR1 gene. While this is not anticipated to result in nonsense mediated decay, it is expected to disrupt the last 217 amino acid(s) of the IFNGR1 protein. This variant is not present in population databases (gnomAD no frequency). This premature translational stop signal has been observed in individual(s) with clinical features of autosomal dominant Mendelian susceptibility to mycobacterial disease (Invitae). ClinVar contains an entry for this variant (Variation ID: 944830). Algorithms developed to predict the effect of sequence changes on RNA splicing suggest that this variant may disrupt the consensus splice site. This variant is located in a region of the IFNGR1 protein where a significant number of IFNGR1 nonsense and frameshift mutations have been reported in association with autosomal dominant mendelian susceptibility to mycobacterial disease (PMID: 17513528, 10192386). In summary, the currently available evidence indicates that the variant is pathogenic, but additional data are needed to prove that conclusively. Therefore, this variant has been classified as Likely Pathogenic.

Literature cited by the submitters: PubMed 17513528; PubMed 10192386.